The following is an entry in ClinVar:

NM_001111.5(ADAR):c.11G>C (p.Arg4Pro)

Genes: ADAR (adenosine deaminase RNA specific; minus strand), LOC129931512 (ATAC-STARR-seq lymphoblastoid silent region 1364; plus strand). Cytogenetic location: 1q21.3.
Variant type: single nucleotide variant.
Coding change: c.11G>C on transcript NM_001111.5 (MANE Select); coding-DNA position 11, G replaced by C.
Protein change: p.Arg4Pro; replaces arginine 4 with proline.
Molecular consequence: missense variant. On other transcripts: intron variant (4), 5 prime UTR variant (2).
Genome position (GRCh38, 1-based): chr1:154,607,996, C>G on the plus strand (G>C on the coding strand, the complement: ADAR is on the minus strand). VCF-style: chr1-154607996-C-G. GRCh37 (hg19) VCF-style: chr1-154580472-C-G.
Other names: c.-870-5370G>C (NM_001025107.3); c.-871+755G>C (NM_001365048.1); c.-739G>C (NM_001365047.1, NM_001365049.1); c.11G>C, p.Arg4Pro (NM_015840.4, NM_015841.4); c.-734-5370G>C (NM_001365046.1); c.43-5370G>C (NM_001365045.1); short protein forms R4P.
Identifiers: ClinVar variation 2937747 (VCV002937747.3), dbSNP rs1698313727, ClinGen allele CA342612206.

ClinVar aggregate classification (germline): Uncertain significance (1 of 4 stars; one submission).

Conditions:
Symmetrical dyschromatosis of extremities (DSH). Also called: RETICULATE ACROPIGMENTATION OF DOHI; SYMMETRIC DYSCHROMATOSIS OF THE EXTREMITIES; Dyschromatosis symmetrica hereditaria; DYSCHROMATOSIS SYMMETRICA HEREDITARIA 1. Identifiers: Orphanet 41, MedGen C0406775, MONDO:0007483, OMIM 127400.
Aicardi-Goutieres syndrome 6 (AGS6). Identifiers: Orphanet 51, MedGen C3539013, MONDO:0014007, OMIM 615010.

Allele frequency attached by ClinVar (database versions not stated): gnomAD 0.00001.
gnomAD v4.1: 13 of 1,607,674 alleles (0.00081%); highest among the groups gnomAD compares: East Asian, 0.027%; no homozygotes.

Submission:

Labcorp Genetics (formerly Invitae), Labcorp
Classification: Uncertain significance for Aicardi-Goutieres syndrome 6; Symmetrical dyschromatosis of extremities. Last evaluated: 2023-10-28. Review status: criteria provided, single submitter. Criteria: Invitae Variant Classification Sherloc (09022015). Collection method: clinical testing. Allele origin: germline.
Comment: This sequence change replaces arginine, which is basic and polar, with proline, which is neutral and non-polar, at codon 4 of the ADAR protein (p.Arg4Pro). This variant is not present in population databases (gnomAD no frequency). This variant has not been reported in the literature in individuals affected with ADAR-related conditions. An algorithm developed to predict the effect of missense changes on protein structure and function (PolyPhen-2) suggests that this variant is likely to be tolerated. In summary, the available evidence is currently insufficient to determine the role of this variant in disease. Therefore, it has been classified as a Variant of Uncertain Significance.